The following is an entry in ClinVar:

ClinVar aggregate classification (germline): Uncertain significance (1 of 4 stars; one submission).

Conditions:
BBS1-related disorder. Also called: BBS1-related condition.

Submission:

PreventionGenetics, part of Exact Sciences
Classification: Uncertain significance for BBS1-related condition. Last evaluated: 2025-04-30. Review status: criteria provided, single submitter. Criteria: ACMG Guidelines, 2015. Collection method: clinical testing. Allele origin: germline.
Comment: The BBS1 c.818A>T variant is predicted to result in the amino acid substitution p.Tyr273Phe. To our knowledge, this variant has not been reported in the literature or in a large population database (gnomAD), indicating this variant is rare. At this time, the clinical significance of this variant is uncertain due to the absence of conclusive functional and genetic evidence.

NM_024649.5(BBS1):c.818A>T (p.Tyr273Phe)

Genes: BBS1 (Bardet-Biedl syndrome 1; plus strand), ZDHHC24 (zDHHC palmitoyltransferase 24; minus strand). Cytogenetic location: 11q13.2.
Variant type: single nucleotide variant.
Coding change: c.818A>T on transcript NM_024649.5 (MANE Select); coding-DNA position 818, A replaced by T.
Protein change: p.Tyr273Phe; replaces tyrosine 273 with phenylalanine.
Molecular consequence: missense variant. On other transcripts: 3 prime UTR variant (1).
Genome position (GRCh38, 1-based): chr11:66,521,364, A>T. VCF-style: chr11-66521364-A-T. GRCh37 (hg19) VCF-style: chr11-66288835-A-T.
Other names: c.*124T>A (NM_001348571.2); short protein forms Y273F.
Identifiers: ClinVar variation 4979750 (VCV004979750.1).
Genomic context (GRCh38, chr11:66,521,364, plus strand): 5'-TTTCTGGCCAGTTTGATGTTGAGTTCCGGCTTGCCGCGGCCTGCCGCAATGGAAACATCT[A>T]TATTCTGAGAAGGTAGCCACATCCGTGGTCTCCGGGGCCGGGAGGAACATCTCAGAAAAC-3'
Protein context (NP_078925.3, residues 263-283): LAAACRNGNI[Tyr273Phe]ILRRDSKHPK